The following continues an entry in ClinVar:

NM_002878.4(RAD51D):c.898C>T (p.Arg300Ter)

ClinVar aggregate classification (germline): Pathogenic/Likely pathogenic. Pathogenic (2); Likely pathogenic (25).

Submissions 28 to 30 of 30:

Laboratory for Genotyping Development, RIKEN
Classification: Pathogenic for Gastric cancer. Last evaluated: 2021-07-01. Review status: no assertion criteria provided. Collection method: research. Allele origin: germline. Not counted in ClinVar's aggregate classification.

China-NCC-Department of Gynecologic Oncology, Cancer Hospital, Chinese Academy of Medical Sciences and Peking Union Medical College
Classification: Pathogenic for Ovarian neoplasm. Review status: no assertion criteria provided. Collection method: clinical testing. Allele origin: germline. Inheritance: Autosomal dominant inheritance. Affected: yes. Observed: 1 variant allele. Not counted in ClinVar's aggregate classification.

Department of Pathology and Laboratory Medicine, Sinai Health System
Classification: Likely pathogenic for Malignant tumor of breast. Review status: no assertion criteria provided. Collection method: clinical testing. Allele origin: unknown. Affected: yes. Study: The Canadian Open Genetics Repository (COGR). Not counted in ClinVar's aggregate classification.
Comment: The RAD51D p.Arg300* variant was identified in 3 of 10506 proband chromosomes (frequency: 0.0003) from individuals or families with breast cancer or invasive epithelial ovarian cancer (Couch 2015, Song 2015). The variant was also identified in dbSNP (ID: rs750621215) as "With Likely pathogenic allele ", and in ClinVar (classified as likely pathogenic by Invitae, Ambry Genetics and GeneDx). The variant was not identified in the Cosmic database. The variant was identified in control databases in 7 of 246158 chromosomes at a frequency of 0.00003 (Genome Aggregation Database Feb 27, 2017). The variant was observed in the following populations: European in 3 of 111630 chromosomes (freq: 0.00003), East Asian in 3 of 17248 chromosomes (freq: 0.0002), and South Asian in 1 of 30782 chromosomes (freq: 0.00003); it was not observed in the African, Other, Latino, Ashkenazi Jewish, and Finnish populations. The c.898C>T variant leads to a premature stop codon at position 300, which is predicted to lead to a truncated or absent protein and loss of function. Loss of function variants of the RAD51D gene are an established mechanism of disease in RAD51D-associated cancer and is the type of variant expected to cause the disorder. In summary, based on the above information the clinical significance of this variant cannot be determined with certainty at this time although we would lean towards a more pathogenic role for this variant. This variant is classified as likely pathogenic.

Literature cited by the submitters: PubMed 22275364 (cited by Ambry Genetics); PubMed 25452441 (cited by 7 submitters); PubMed 26261251 (cited by 8 submitters); PubMed 30111881 (cited by 7 submitters); PubMed 33471991 (cited by 4 submitters); PubMed 36185283 (cited by 5 submitters); PubMed 36544182 (cited by 4 submitters); PubMed 28724667 (cited by 6 submitters); PubMed 29255180 (cited by 4 submitters); PubMed 32885271 (cited by 5 submitters); PubMed 14704354 (cited by Labcorp Genetics (formerly Invitae), Labcorp and Color Diagnostics, LLC DBA Color Health); PubMed 19327148 (cited by Labcorp Genetics (formerly Invitae), Labcorp and Color Diagnostics, LLC DBA Color Health); PubMed 21111057 (cited by Labcorp Genetics (formerly Invitae), Labcorp and Color Diagnostics, LLC DBA Color Health); PubMed 10749867 (cited by Labcorp Genetics (formerly Invitae), Labcorp and Color Diagnostics, LLC DBA Color Health); PubMed 32107557 (cited by 5 submitters); PubMed 31300551 (cited by 4 submitters); PubMed 32906206 (cited by Quest Diagnostics Nichols Institute San Juan Capistrano); PubMed 35710434 (cited by 3 submitters); PubMed 34923718 (cited by Quest Diagnostics Nichols Institute San Juan Capistrano and Institute for Genomic Medicine (IGM) Clinical Laboratory, Nationwide Children's Hospital); PubMed 36095024 (cited by Quest Diagnostics Nichols Institute San Juan Capistrano); PubMed 33804961 (cited by Quest Diagnostics Nichols Institute San Juan Capistrano and Mayo Clinic Laboratories, Mayo Clinic); PubMed 35273153 (cited by Quest Diagnostics Nichols Institute San Juan Capistrano); PubMed 34887416 (cited by Quest Diagnostics Nichols Institute San Juan Capistrano); PubMed 35171259 (cited by Quest Diagnostics Nichols Institute San Juan Capistrano); PubMed 38118367 (cited by 3 submitters); PubMed 21822267 (cited by Institute for Genomic Medicine (IGM) Clinical Laboratory, Nationwide Children's Hospital); PubMed 32359370 (cited by Institute for Genomic Medicine (IGM) Clinical Laboratory, Nationwide Children's Hospital); PubMed 33858678 (cited by 3 submitters); PubMed 35186721 (cited by Institute for Genomic Medicine (IGM) Clinical Laboratory, Nationwide Children's Hospital and Color Diagnostics, LLC DBA Color Health); PubMed 36988593 (cited by Laboratory for Genotyping Development, RIKEN).